The following is an entry in ClinVar:

ClinVar aggregate classification (germline): Likely benign. Review status: criteria provided, single submitter (1 of 4 stars). 2 submissions from 2 submitters: Likely benign (1). 1 of the submissions does not count toward it. Last evaluated 2022-10-05.

Conditions:
CERT1-related disorder. Also called: CERT1-related condition.

Allele frequency attached by ClinVar (database versions not stated): gnomAD exomes 0.00006; ExAC 0.00007; gnomAD 0.00007; ESP Exome Variant Server 0.00008; TOPMed 0.00014.
gnomAD v4.1: 94 of 1,613,176 alleles (0.0058%); highest among the groups gnomAD compares: Admixed American, 0.04%; no homozygotes.

Submissions (2):

Blueprint Genetics
Classification: Likely benign. Last evaluated: 2022-10-05. Review status: criteria provided, single submitter. Criteria: ACMG Guidelines, 2015. Collection method: clinical testing. Allele origin: germline.

PreventionGenetics, part of Exact Sciences
Classification: Likely benign for CERT1-related condition. Last evaluated: 2019-05-01. Review status: no assertion criteria provided. Collection method: clinical testing. Allele origin: germline. Not counted in ClinVar's aggregate classification.
Comment: This variant is classified as likely benign based on ACMG/AMP sequence variant interpretation guidelines (Richards et al. 2015 PMID: 25741868, with internal and published modifications).

NM_001379029.1(CERT1):c.954T>C (p.Asn318=)

Gene: CERT1 (ceramide transporter 1; minus strand). Cytogenetic location: 5q13.3.
Variant type: single nucleotide variant.
Coding change: c.954T>C on transcript NM_001379029.1 (MANE Select); coding-DNA position 954, T replaced by C.
Protein change: p.Asn318=; no amino-acid change (asparagine 318 retained).
Molecular consequence: synonymous variant.
Genome position (GRCh38, 1-based): chr5:75,403,035, A>G on the plus strand (T>C on the coding strand, the complement: CERT1 is on the minus strand). VCF-style: chr5-75403035-A-G. GRCh37 (hg19) VCF-style: chr5-74698860-A-G.
Other names: c.1338T>C, p.Asn446= (NM_001130105.1); c.954T>C, p.Asn318= (NM_001379002.1, NM_001379003.1, NM_001379004.1 and 2 more transcripts).
Identifiers: ClinVar variation 3038073 (VCV003038073.3), dbSNP rs142100179, ClinGen allele CA3309149.